The following is an entry in ClinVar:

NM_020975.6(RET):c.1888T>C (p.Cys630Arg)

Gene: RET (ret proto-oncogene; plus strand). Cytogenetic location: 10q11.21.
Variant type: single nucleotide variant.
Coding change: c.1888T>C on transcript NM_020975.6 (MANE Select); coding-DNA position 1888, T replaced by C.
Protein change: p.Cys630Arg; replaces cysteine 630 with arginine.
Molecular consequence: missense variant.
Genome position (GRCh38, 1-based): chr10:43,114,488, T>C. VCF-style: chr10-43114488-T-C. GRCh37 (hg19) VCF-style: chr10-43609936-T-C.
Other names: c.1492T>C, p.Cys498Arg (NM_001406769.1, NM_001406772.1); c.1600T>C, p.Cys534Arg (NM_001406770.1, NM_001406766.1, NM_001406767.1); c.1450T>C, p.Cys484Arg (NM_001406771.1, NM_001406773.1); c.1363T>C, p.Cys455Arg (NM_001406774.1); c.1162T>C, p.Cys388Arg (NM_001406775.1, NM_001406776.1, NM_001406777.1 and 1 more transcripts); c.991T>C, p.Cys331Arg (NM_001406779.1, NM_001406780.1, NM_001406781.1 and 1 more transcripts); c.862T>C, p.Cys288Arg (NM_001406783.1, NM_001406786.1); c.898T>C, p.Cys300Arg (NM_001406784.1); and 7 more; short protein forms C376R, C195R, C288R, C331R, C388R, C455R, C147R, C235R.
Identifiers: ClinVar variation 24908 (VCV000024908.11), dbSNP rs377767404, ClinGen allele CA008145.

ClinVar aggregate classification (germline): Pathogenic. Review status: criteria provided, multiple submitters, no conflicts (2 of 4 stars). 3 submissions from 3 submitters: Pathogenic (3). Last evaluated 2025-05-15.

Conditions:
Hereditary cancer-predisposing syndrome. Also called: Neoplastic Syndromes, Hereditary; Tumor predisposition; Hereditary Cancer Syndrome; Hereditary neoplastic syndrome. Identifiers: Orphanet 140162, MedGen C0027672, MeSH D009386, MONDO:0015356.
Multiple endocrine neoplasia, type 2 (MEN2). Identifiers: Orphanet 653, MedGen C4048306, MONDO:0019003. Disease mechanism: gain of function.

Submissions (3):

Labcorp Genetics (formerly Invitae), Labcorp
Classification: Pathogenic for Multiple endocrine neoplasia, type 2. Last evaluated: 2025-05-15. Review status: criteria provided, single submitter. Criteria: Invitae Variant Classification Sherloc (09022015). Collection method: clinical testing. Allele origin: germline.
Comment: This sequence change replaces cysteine, which is neutral and slightly polar, with arginine, which is basic and polar, at codon 630 of the RET protein (p.Cys630Arg). This variant is not present in population databases (gnomAD no frequency). This missense change has been observed in individuals with medullary thyroid carcinoma (MTC) (PMID: 14561794, 15523405, 16053382, 25440022). It has also been observed to segregate with disease in related individuals. ClinVar contains an entry for this variant (Variation ID: 24908). An algorithm developed to predict the effect of missense changes on protein structure and function (PolyPhen-2) suggests that this variant is likely to be disruptive. Experimental studies have shown that this missense change affects RET function (PMID: 9879991). This variant disrupts the p.Cys630 amino acid residue in RET. Other variant(s) that disrupt this residue have been determined to be pathogenic (PMID: 9223675, 17527003, 21054478, 26678667). This suggests that this residue is clinically significant, and that variants that disrupt this residue are likely to be disease-causing. For these reasons, this variant has been classified as Pathogenic.

Ambry Genetics
Classification: Pathogenic for Hereditary cancer-predisposing syndrome. Last evaluated: 2024-07-06. Review status: criteria provided, single submitter. Criteria: Ambry Variant Classification Scheme 2023. Collection method: clinical testing. Allele origin: germline.
Comment: The p.C630R variant (also known as c.1888T>C), located in coding exon 11 of the RET gene, results from a T to C substitution at nucleotide position 1888. The cysteine at codon 630 is replaced by arginine, an amino acid with highly dissimilar properties. This variant has been seen in multiple individuals and families diagnosed with medullary thyroid carcinoma (MTC), as well as in an individual with both an MTC and a parathyroid adenoma (Machens A et al. Surgery, 2004 Nov;136:1083-7; Elisei R et al. J. Clin. Endocrinol. Metab., 2007 Dec;92:4725-9; Romei C et al. Eur J Endocrinol, 2010 Aug;163:301-8; Martins-Costa MC et al. Arch Endocrinol Metab, 2018;62:623-635; Damavandi E et al. J Thyroid Res, 2021 Nov;2021:7250870). Additionally, it was shown to segregate with disease in a large kindred of more than 20 family members (Dourisboure RJ et al. Thyroid, 2005 Jul;15:668-71). This alteration was also shown to be an activating mutation which leads to a constitutive stimulation of the RET receptor by functional analysis (Chappuis-Flament S et al. Oncogene, 1998 Dec;17:2851-61). This amino acid position is highly conserved in available vertebrate species. In addition, this alteration is predicted to be deleterious by in silico analysis. This variant is considered to be rare based on population cohorts in the Genome Aggregation Database (gnomAD). Based on the supporting evidence, this alteration is pathogenic for MEN2; however, the association of this alteration with Hirschsprung disease is unknown.

Women's Health and Genetics/Laboratory Corporation of America, LabCorp
Classification: Pathogenic for Multiple endocrine neoplasia, type 2. Last evaluated: 2021-11-01. Review status: criteria provided, single submitter. Criteria: LabCorp Variant Classification Summary - May 2015. Collection method: clinical testing. Allele origin: germline.
Comment: Variant summary: RET c.1888T>C (p.Cys630Arg) results in a non-conservative amino acid change in the encoded protein sequence. Five of five in-silico tools predict a damaging effect of the variant on protein function. The variant was absent in 246688 control chromosomes. c.1888T>C has been reported in the literature in multiple individuals affected with Multiple Endocrine Neoplasia Type 2/Familial Medullary Thyroid Carcinoma (example, Machens_2004, Dourisboure_2005). These data indicate that the variant is very likely to be associated with disease. At least one publication reports experimental evidence evaluating an impact on protein function (example, Chappuis-Flament_1998). The most pronounced variant effect results in the constitutive activation of the RET receptor consistent with the established gain of function mechanism of disease. Two clinical diagnostic laboratories have submitted clinical-significance assessments for this variant to ClinVar after 2014 without evidence for independent evaluation. All laboratories classified the variant as pathogenic. Based on the evidence outlined above, the variant was classified as pathogenic.

Literature cited by the submitters: PubMed 14561794 (cited by Labcorp Genetics (formerly Invitae), Labcorp); PubMed 15523405 (cited by 3 submitters); PubMed 16053382 (cited by 3 submitters); PubMed 25440022 (cited by Labcorp Genetics (formerly Invitae), Labcorp); PubMed 9879991 (cited by 3 submitters); PubMed 9223675 (cited by Labcorp Genetics (formerly Invitae), Labcorp); PubMed 17527003 (cited by Labcorp Genetics (formerly Invitae), Labcorp and Women's Health and Genetics/Laboratory Corporation of America, LabCorp); PubMed 21054478 (cited by Labcorp Genetics (formerly Invitae), Labcorp); PubMed 26678667 (cited by Labcorp Genetics (formerly Invitae), Labcorp); PubMed 16868135 (cited by Ambry Genetics and Women's Health and Genetics/Laboratory Corporation of America, LabCorp); PubMed 17895320 (cited by Ambry Genetics and Women's Health and Genetics/Laboratory Corporation of America, LabCorp); PubMed 20516206 (cited by Ambry Genetics); PubMed 30624503 (cited by Ambry Genetics); PubMed 34777782 (cited by Ambry Genetics); PubMed 15858153 (cited by Women's Health and Genetics/Laboratory Corporation of America, LabCorp); PubMed 12673960 (cited by Women's Health and Genetics/Laboratory Corporation of America, LabCorp); PubMed 9150704 (cited by Women's Health and Genetics/Laboratory Corporation of America, LabCorp); PubMed 9606292 (cited by Women's Health and Genetics/Laboratory Corporation of America, LabCorp); PubMed 16849421 (cited by Women's Health and Genetics/Laboratory Corporation of America, LabCorp); PubMed 17316110 (cited by Women's Health and Genetics/Laboratory Corporation of America, LabCorp); PubMed 17590169 (cited by Women's Health and Genetics/Laboratory Corporation of America, LabCorp); PubMed 17605401 (cited by Women's Health and Genetics/Laboratory Corporation of America, LabCorp).